The following is an entry in ClinVar:

NM_002693.3(POLG):c.244G>A (p.Gly82Arg)

Genes: POLG (DNA polymerase gamma, catalytic subunit; minus strand), POLGARF (POLG alternative reading frame; minus strand). Cytogenetic location: 15q26.1.
Variant type: single nucleotide variant.
Coding change: c.244G>A on transcript NM_002693.3 (MANE Select); coding-DNA position 244, G replaced by A.
Protein change: p.Gly82Arg; replaces glycine 82 with arginine.
Molecular consequence: missense variant.
Genome position (GRCh38, 1-based): chr15:89,333,511, C>T on the plus strand (G>A on the coding strand, the complement: POLG is on the minus strand). VCF-style: chr15-89333511-C-T. GRCh37 (hg19) VCF-style: chr15-89876742-C-T.
Other names: c.244G>A, p.Gly82Arg (NM_001126131.2); short protein forms G82R.
Identifiers: ClinVar variation 1493256 (VCV001493256.3), dbSNP rs139134661, ClinGen allele CA393773316.

ClinVar aggregate classification (germline): Uncertain significance (1 of 4 stars; one submission).

Conditions:
Progressive sclerosing poliodystrophy (MTDPS4A). Also called: Mitochondrial DNA depletion syndrome 4A (Alpers type); ALPERS PROGRESSIVE INFANTILE POLIODYSTROPHY; NEURONAL DEGENERATION OF CHILDHOOD WITH LIVER DISEASE, PROGRESSIVE; Mitochondrial DNA Depletion Syndrome 4A; Alpers-Huttenlocher Syndrome (AHS); Alpers Syndrome. Identifiers: Orphanet 726, MedGen C0205710, MONDO:0008758, OMIM 203700.

Submission:

Labcorp Genetics (formerly Invitae), Labcorp
Classification: Uncertain significance for Progressive sclerosing poliodystrophy. Last evaluated: 2022-05-28. Review status: criteria provided, single submitter. Criteria: Invitae Variant Classification Sherloc (09022015). Collection method: clinical testing. Allele origin: germline.
Comment: This sequence change replaces glycine, which is neutral and non-polar, with arginine, which is basic and polar, at codon 82 of the POLG protein (p.Gly82Arg). This variant is not present in population databases (gnomAD no frequency). This variant has not been reported in the literature in individuals affected with POLG-related conditions. ClinVar contains an entry for this variant (Variation ID: 1493256). Algorithms developed to predict the effect of missense changes on protein structure and function are either unavailable or do not agree on the potential impact of this missense change (SIFT: "Tolerated"; PolyPhen-2: "Possibly Damaging"; Align-GVGD: "Class C0"). In summary, the available evidence is currently insufficient to determine the role of this variant in disease. Therefore, it has been classified as a Variant of Uncertain Significance.